The following is an entry in ClinVar:

ClinVar aggregate classification (germline): Uncertain significance. Review status: criteria provided, multiple submitters, no conflicts (2 of 4 stars). 2 submissions from 2 submitters: Uncertain significance (2). Last evaluated 2025-11-17.

Conditions:
Hereditary pancreatitis (PCTT). Also called: Hereditary chronic pancreatitis; PRSS1-Related Hereditary Pancreatitis. Identifiers: Orphanet 676, MedGen C0238339, MONDO:0008185, OMIM 167800.

Allele frequency attached by ClinVar (database versions not stated): gnomAD exomes below 0.00001 and 0.00001; ExAC 0.00002.

Submissions (2):

Ambry Genetics
Classification: Uncertain significance for Hereditary pancreatitis. Last evaluated: 2025-11-17. Review status: criteria provided, single submitter. Criteria: Ambry Variant Classification Scheme 2023. Collection method: clinical testing. Allele origin: germline.
Comment: The p.F87L variant (also known as c.261C>A), located in coding exon 3 of the PRSS1 gene, results from a C to A substitution at nucleotide position 261. The phenylalanine at codon 87 is replaced by leucine, an amino acid with highly similar properties. This amino acid position is not well conserved in available vertebrate species. In addition, the in silico prediction for this alteration is inconclusive. Since supporting evidence is limited at this time, the clinical significance of this alteration remains unclear.

Labcorp Genetics (formerly Invitae), Labcorp
Classification: Uncertain significance for Hereditary pancreatitis. Last evaluated: 2017-05-08. Review status: criteria provided, single submitter. Criteria: Invitae Variant Classification Sherloc (09022015). Collection method: clinical testing. Allele origin: germline.
Comment: In summary, this variant is a rare missense change with uncertain impact on protein function. There is no indication that it causes disease, but the available evidence is currently insufficient to prove that conclusively. Therefore, it has been classified as a Variant of Uncertain Significance. Algorithms developed to predict the effect of missense changes on protein structure and function do not agree on the potential impact of this missense change (SIFT: "Deleterious"; PolyPhen-2: "Benign"; Align-GVGD: "Class C0"). This variant is present in population databases (rs767354237, ExAC 0.003%) but has not been reported in the literature in individuals with a PRSS1-related disease. This sequence change replaces phenylalanine with leucine at codon 87 of the PRSS1 protein (p.Phe87Leu). The phenylalanine residue is highly conserved and there is a small physicochemical difference between phenylalanine and leucine.

NM_002769.5(PRSS1):c.261C>A (p.Phe87Leu)

Genes: TRB (T cell receptor beta locus; plus strand), PRSS1 (serine protease 1; plus strand). Cytogenetic location: 7q34.
Variant type: single nucleotide variant.
Coding change: c.261C>A on transcript NM_002769.5 (MANE Select); coding-DNA position 261, C replaced by A.
Protein change: p.Phe87Leu; replaces phenylalanine 87 with leucine.
Molecular consequence: missense variant.
Genome position (GRCh38, 1-based): chr7:142,751,834, C>A. VCF-style: chr7-142751834-C-A. GRCh37 (hg19) VCF-style: chr7-142459685-C-A.
Other names: short protein forms F87L.
Identifiers: ClinVar variation 459183 (VCV000459183.11), dbSNP rs767354237, ClinGen allele CA4529894.